The following is an entry in ClinVar:

ClinVar aggregate classification (germline): Pathogenic/Likely pathogenic. Review status: criteria provided, multiple submitters, no conflicts (2 of 4 stars). 2 submissions from 2 submitters: Pathogenic (1); Likely pathogenic (1). Last evaluated 2022-10-26.

Conditions:
Retinitis pigmentosa 25 (RP25). Identifiers: Orphanet 791, MedGen C1864446, MONDO:0011272, OMIM 602772.

Submissions (2):

Labcorp Genetics (formerly Invitae), Labcorp
Classification: Pathogenic. Last evaluated: 2022-10-26. Review status: criteria provided, single submitter. Criteria: Invitae Variant Classification Sherloc (09022015). Collection method: clinical testing. Allele origin: germline.
Comment: For these reasons, this variant has been classified as Pathogenic. Studies have shown that disruption of this splice site alters mRNA splicing and is expected to lead to the loss of protein expression (PMID: 33833316). Disruption of this splice site has been observed in individual(s) with retinitis pigmentosa (PMID: 33833316). In at least one individual the data is consistent with being in trans (on the opposite chromosome) from a pathogenic variant. It has also been observed to segregate with disease in related individuals. This variant is not present in population databases (gnomAD no frequency). This sequence change affects a donor splice site in intron 25 of the EYS gene. It is expected to disrupt RNA splicing. Variants that disrupt the donor or acceptor splice site typically lead to a loss of protein function (PMID: 16199547), and loss-of-function variants in EYS are known to be pathogenic (PMID: 18836446, 20333770).

Juno Genomics, Hangzhou Juno Genomics, Inc
Classification: Likely pathogenic for Retinitis pigmentosa 25. Review status: criteria provided, single submitter. Criteria: ACMG Guidelines, 2015. Collection method: clinical testing. Allele origin: germline.
Comment: Null variant in a gene where loss of function (LOF) is a known mechanism of disease.;Absent from controls (or at extremely low frequency if recessive) in Genome Aggregation Database.

Literature cited by the submitters: PubMed 33833316 (cited by Labcorp Genetics (formerly Invitae), Labcorp); PubMed 16199547 (cited by Labcorp Genetics (formerly Invitae), Labcorp); PubMed 18836446 (cited by Labcorp Genetics (formerly Invitae), Labcorp); PubMed 20333770 (cited by Labcorp Genetics (formerly Invitae), Labcorp).

NM_001142800.2(EYS):c.3877+1G>T

Gene: EYS (EGF-like photoreceptor maintenance factor; minus strand). Cytogenetic location: 6q12.
Variant type: single nucleotide variant.
Coding change: c.3877+1G>T on transcript NM_001142800.2 (MANE Select); the canonical splice donor site of the intron after coding-DNA position 3877, G replaced by T.
Molecular consequence: splice donor variant.
Genome position (GRCh38, 1-based): chr6:64,593,116, C>A on the plus strand (G>T on the coding strand, the complement: EYS is on the minus strand). VCF-style: chr6-64593116-C-A. GRCh37 (hg19) VCF-style: chr6-65303009-C-A.
Other names: c.3877+1G>T (NM_001292009.2).
Identifiers: ClinVar variation 2036863 (VCV002036863.6), dbSNP rs1582932254, ClinGen allele CA364784529.
Genomic context (GRCh38, chr6:64,593,116, plus strand): 5'-GCTTTTACCACACAACTTTTTCAAACTCAAACTTCTTAATATCTTACCCACTTCTACTTA[C>A]CTTGATCAACTGGGTAAGTGTCCATTATGGCTGGTATTCTAGTAGCCTTTATAGATGGAA-3'